The following is an entry in ClinVar:

ClinVar aggregate classification (germline): Pathogenic. Review status: criteria provided, multiple submitters, no conflicts (2 of 4 stars). 3 submissions from 3 submitters: Pathogenic (3). Last evaluated 2024-03-30.

Conditions:
ALMS1-related disorder. Also called: ALMS1-related condition.
Alstrom syndrome (ALMS). Identifiers: Orphanet 64, MedGen C0268425, MONDO:0008763, OMIM 203800.

gnomAD v4.1: 2 of 1,602,088 alleles (0.00012%); highest among the groups gnomAD compares: Non-Finnish European, 0.00017%; no homozygotes.

Submissions (3):

Labcorp Genetics (formerly Invitae), Labcorp
Classification: Pathogenic for Alstrom syndrome. Last evaluated: 2024-03-30. Review status: criteria provided, single submitter. Criteria: Invitae Variant Classification Sherloc (09022015). Collection method: clinical testing. Allele origin: germline.
Comment: This sequence change creates a premature translational stop signal (p.Glu528*) in the ALMS1 gene. It is expected to result in an absent or disrupted protein product. Loss-of-function variants in ALMS1 are known to be pathogenic (PMID: 17594715). This variant is not present in population databases (gnomAD no frequency). This variant has not been reported in the literature in individuals affected with ALMS1-related conditions. ClinVar contains an entry for this variant (Variation ID: 2094600). For these reasons, this variant has been classified as Pathogenic.

GeneDx
Classification: Pathogenic. Last evaluated: 2023-08-02. Review status: criteria provided, single submitter. Criteria: GeneDx Variant Classification Process June 2021. Collection method: clinical testing. Allele origin: germline. Affected: yes.
Comment: Nonsense variant predicted to result in protein truncation or nonsense mediated decay in a gene for which loss of function is a known mechanism of disease; Not observed at significant frequency in large population cohorts (gnomAD); Has not been previously published as pathogenic or benign to our knowledge

Blueprint Genetics
Classification: Pathogenic for ALMS1-related disorders. Last evaluated: 2021-11-11. Review status: criteria provided, single submitter. Criteria: ACMG Guidelines, 2015. Collection method: clinical testing. Allele origin: germline. Affected: yes. Observed: 4 variant alleles.

Literature cited by the submitters: PubMed 17594715 (cited by Labcorp Genetics (formerly Invitae), Labcorp).

NM_001378454.1(ALMS1):c.1579G>T (p.Glu527Ter)

Gene: ALMS1 (ALMS1 centrosome and basal body associated protein; plus strand). Cytogenetic location: 2p13.1.
Variant type: single nucleotide variant.
Coding change: c.1579G>T on transcript NM_001378454.1 (MANE Select); coding-DNA position 1579, G replaced by T.
Protein change: p.Glu527Ter; replaces glutamic acid 527 with a stop codon.
Molecular consequence: nonsense.
Genome position (GRCh38, 1-based): chr2:73,448,106, G>T. VCF-style: chr2-73448106-G-T. GRCh37 (hg19) VCF-style: chr2-73675233-G-T.
Other names: c.1582G>T, p.Glu528Ter (NM_015120.4); short protein forms E528*, E527*.
Identifiers: ClinVar variation 2094600 (VCV002094600.6), dbSNP rs759021934, ClinGen allele CA50391041.